The following is an entry in ClinVar:

ClinVar aggregate classification (germline): Uncertain significance (1 of 4 stars; one submission).

Conditions:
Hereditary cancer-predisposing syndrome. Also called: Neoplastic Syndromes, Hereditary; Hereditary Cancer Syndrome; Tumor predisposition; Hereditary neoplastic syndrome. Identifiers: Orphanet 140162, MedGen C0027672, MeSH D009386, MONDO:0015356.

Submission:

Color Diagnostics, LLC DBA Color Health
Classification: Uncertain significance for Hereditary cancer-predisposing syndrome. Last evaluated: 2023-12-05. Review status: criteria provided, single submitter. Criteria: ACMG Guidelines, 2015. Collection method: clinical testing. Allele origin: germline.
Comment: This missense variant replaces aspartic acid with asparagine at codon 535 of the BARD1 protein. Computational prediction suggests that this variant may not impact protein structure and function (internally defined REVEL score threshold <= 0.5, PMID: 27666373). To our knowledge, functional studies have not been reported for this variant. This variant has not been reported in individuals affected with BARD1-related disorders in the literature. This variant has not been identified in the general population by the Genome Aggregation Database (gnomAD). The available evidence is insufficient to determine the role of this variant in disease conclusively. Therefore, this variant is classified as a Variant of Uncertain Significance.

NM_000465.4(BARD1):c.1603G>A (p.Asp535Asn)

Gene: BARD1 (BRCA1 associated RING domain 1; minus strand). Cytogenetic location: 2q35.
Variant type: single nucleotide variant.
Coding change: c.1603G>A on transcript NM_000465.4 (MANE Select); coding-DNA position 1603, G replaced by A.
Protein change: p.Asp535Asn; replaces aspartic acid 535 with asparagine.
Molecular consequence: missense variant. On other transcripts: non-coding transcript variant (3), intron variant (1).
Genome position (GRCh38, 1-based): chr2:214,752,521, C>T on the plus strand (G>A on the coding strand, the complement: BARD1 is on the minus strand). VCF-style: chr2-214752521-C-T. GRCh37 (hg19) VCF-style: chr2-215617245-C-T.
Other names: c.1546G>A, p.Asp516Asn (NM_001282543.2); c.250G>A, p.Asp84Asn (NM_001282545.2); c.193G>A, p.Asp65Asn (NM_001282548.2); c.365-22013G>A (NM_001282549.2); short protein forms D535N, D65N, D516N, D84N.
Identifiers: ClinVar variation 928395 (VCV000928395.4), dbSNP rs1693505731, ClinGen allele CA350454922.